The following is an entry in ClinVar:

NM_007294.4(BRCA1):c.692C>G (p.Thr231Arg)

Gene: BRCA1 (BRCA1 DNA repair associated; minus strand). Cytogenetic location: 17q21.31.
Variant type: single nucleotide variant.
Coding change: c.692C>G on transcript NM_007294.4 (MANE Select); coding-DNA position 692, C replaced by G.
Protein change: p.Thr231Arg; replaces threonine 231 with arginine.
Molecular consequence: missense variant. On other transcripts: 5 prime UTR variant (2), intron variant (13).
Genome position (GRCh38, 1-based): chr17:43,094,839, G>C on the plus strand (C>G on the coding strand, the complement: BRCA1 is on the minus strand). VCF-style: chr17-43094839-G-C. GRCh37 (hg19) VCF-style: chr17-41246856-G-C.
Other names: c.548C>G, p.Thr183Arg (NM_001407744.1, NM_001407745.1, NM_001407746.1 and 26 more transcripts); c.551C>G, p.Thr184Arg (NM_001407752.1, NM_001407750.1, NM_001407751.1 and 43 more transcripts); c.566C>G, p.Thr189Arg (NM_001407686.1, NM_001407687.1, NM_001407688.1 and 20 more transcripts); c.479C>G, p.Thr160Arg (NM_001407853.1, NM_001407894.1, NM_001407895.1 and 12 more transcripts); c.692C>G, p.Thr231Arg (NM_001407854.1, NM_001407858.1, NM_001407859.1 and 54 more transcripts); c.689C>G, p.Thr230Arg (NM_001407860.1, NM_001407861.1, NM_001407972.1 and 38 more transcripts); c.491C>G, p.Thr164Arg (NM_001407862.1, NM_001408474.1, NM_001408476.1); c.569C>G, p.Thr190Arg (NM_001407863.1, NM_001407919.1, NM_001407937.1 and 34 more transcripts); and 20 more; short protein forms T205R, T230R, T231R, T103R, T104R, T119R, T164R, T183R.
Identifiers: ClinVar variation 2450685 (VCV002450685.2), dbSNP rs80357001, ClinGen allele CA10600701.
Genomic context (GRCh38, chr17:43,094,839, plus strand): 5'-TTCTCAGTGGTGTTCAAATCATTATTACTGGGTTGATGATGTTCAGTATTTGTTACATCC[G>C]TCTCAGAAAATTCACAAGCAGCTGAAAATATACAAAAATAACAAGGTACTCAAAAACTGA-3'
Protein context (NP_009225.1, residues 221-241): AKKAACEFSE[Thr231Arg]DVTNTEHHQP

ClinVar aggregate classification (germline): Uncertain significance (1 of 4 stars; one submission).

Conditions:
Hereditary cancer-predisposing syndrome. Also called: Neoplastic Syndromes, Hereditary; Tumor predisposition; Hereditary neoplastic syndrome; Hereditary Cancer Syndrome. Identifiers: Orphanet 140162, MedGen C0027672, MeSH D009386, MONDO:0015356.

Submission:

Ambry Genetics
Classification: Uncertain significance for Hereditary cancer-predisposing syndrome. Last evaluated: 2023-02-10. Review status: criteria provided, single submitter. Criteria: Ambry Variant Classification Scheme 2023. Collection method: clinical testing. Allele origin: germline.
Comment: The p.T231R variant (also known as c.692C>G), located in coding exon 9 of the BRCA1 gene, results from a C to G substitution at nucleotide position 692. The threonine at codon 231 is replaced by arginine, an amino acid with similar properties. This amino acid position is poorly conserved in available vertebrate species. In addition, the in silico prediction for this alteration is inconclusive. Since supporting evidence is limited at this time, the clinical significance of this alteration remains unclear.